The following is an entry in ClinVar:

ClinVar aggregate classification (germline): Uncertain significance (1 of 4 stars; one submission).

Allele frequency attached by ClinVar (database versions not stated): gnomAD exomes below 0.00001; TOPMed below 0.00001.
gnomAD v4.1: 4 of 1,614,202 alleles (0.00025%); highest among the groups gnomAD compares: East Asian, 0.0022%; no homozygotes.

Submission:

Labcorp Genetics (formerly Invitae), Labcorp
Classification: Uncertain significance. Last evaluated: 2022-06-27. Review status: criteria provided, single submitter. Criteria: Invitae Variant Classification Sherloc (09022015). Collection method: clinical testing. Allele origin: germline.
Comment: In summary, the available evidence is currently insufficient to determine the role of this variant in disease. Therefore, it has been classified as a Variant of Uncertain Significance. Algorithms developed to predict the effect of missense changes on protein structure and function (SIFT, PolyPhen-2, Align-GVGD) all suggest that this variant is likely to be tolerated. This variant has not been reported in the literature in individuals affected with TUB-related conditions. This variant is present in population databases (no rsID available, gnomAD 0.006%). This sequence change replaces serine, which is neutral and polar, with isoleucine, which is neutral and non-polar, at codon 148 of the TUB protein (p.Ser148Ile).

NM_177972.3(TUB):c.278G>T (p.Ser93Ile)

Genes: RIC3 (RIC3 acetylcholine receptor chaperone; minus strand), TUB (TUB bipartite transcription factor; plus strand). Cytogenetic location: 11p15.4.
Variant type: single nucleotide variant.
Coding change: c.278G>T on transcript NM_177972.3 (MANE Select); coding-DNA position 278, G replaced by T.
Protein change: p.Ser93Ile; replaces serine 93 with isoleucine.
Molecular consequence: missense variant. On other transcripts: non-coding transcript variant (1).
Genome position (GRCh38, 1-based): chr11:8,094,070, G>T. VCF-style: chr11-8094070-G-T. GRCh37 (hg19) VCF-style: chr11-8115617-G-T.
Other names: c.443G>T, p.Ser148Ile (NM_003320.5); short protein forms S148I, S93I.
Identifiers: ClinVar variation 1383486 (VCV001383486.6), dbSNP rs1226712996, ClinGen allele CA379564452.
Genomic context (GRCh38, chr11:8,094,070, plus strand): 5'-TTTCTCTCTCTCCATCTGGGGATGTTTCCTGAGCAGTTCAAGAGGCCGACTCACTCGCCA[G>T]TGTGCAGCTGGGAGCCACGCGCCCAACAGCACCAGCTTCAGCCAAGAGAACCAAGGCGGC-3'
Protein context (NP_813977.1, residues 83-103): YQVQEADSLA[Ser93Ile]VQLGATRPTA